The following is an entry in ClinVar:

ClinVar aggregate classification (germline): Uncertain significance. Review status: criteria provided, single submitter (1 of 4 stars). 2 submissions from 2 submitters: Uncertain significance (1). 1 of the submissions does not count toward it. Last evaluated 2024-12-22.

Conditions:
Inborn genetic diseases. Identifiers: MedGen C0950123, MeSH D030342.

Allele frequency attached by ClinVar (database versions not stated): gnomAD exomes below 0.00001; gnomAD 0.00001; TOPMed 0.00001.
gnomAD v4.1: 2 of 1,613,882 alleles (0.00012%); highest among the groups gnomAD compares: African/African-American, 0.0027%; no homozygotes.

Submissions (2):

Ambry Genetics
Classification: Uncertain significance for Inborn genetic diseases. Last evaluated: 2024-12-22. Review status: criteria provided, single submitter. Criteria: Ambry Variant Classification Scheme 2023. Collection method: clinical testing. Allele origin: germline.

Genetic Services Laboratory, University of Chicago
Classification: Uncertain significance. Last evaluated: 2022-12-14. Review status: no assertion criteria provided. Collection method: clinical testing. Allele origin: germline. Affected: no. Not counted in ClinVar's aggregate classification.
Comment: DNA sequence analysis of the LIG4 gene demonstrated a sequence change, c.365C>T, in exon 2 that results in an amino acid change, p.Ala122Val. This sequence change does not appear to have been previously described in individuals with LIG4-related disorders and has also not been described in population databases such as ExAC and gnomAD (dbSNP rs1407111565). The p.Ala122Val change affects a moderately conserved amino acid residue located in a domain of the LIG4 protein that is known to be functional. The p.Ala122Val substitution appears to be benign using several in-silico pathogenicity prediction tools (SIFT, PolyPhen2, Align GVGD, REVEL). Due to insufficient evidences and the lack of functional studies, the clinical significance of the p.Ala122Val change remains unknown at this time.

NM_206937.2(LIG4):c.365C>T (p.Ala122Val)

Gene: LIG4 (DNA ligase 4; minus strand). Cytogenetic location: 13q33.3.
Variant type: single nucleotide variant.
Coding change: c.365C>T on transcript NM_206937.2 (MANE Select); coding-DNA position 365, C replaced by T.
Protein change: p.Ala122Val; replaces alanine 122 with valine.
Molecular consequence: missense variant.
Genome position (GRCh38, 1-based): chr13:108,210,904, G>A on the plus strand (C>T on the coding strand, the complement: LIG4 is on the minus strand). VCF-style: chr13-108210904-G-A. GRCh37 (hg19) VCF-style: chr13-108863252-G-A.
Other names: c.365C>T, p.Ala122Val (NM_001098268.2, NM_001352598.2, NM_001352599.2 and 6 more transcripts); c.164C>T, p.Ala55Val (NM_001330595.2); c.401C>T, p.Ala134Val (NM_001352604.2); short protein forms A122V, A134V, A55V.
Identifiers: ClinVar variation 2443163 (VCV002443163.3), dbSNP rs1407111565, ClinGen allele CA388623301.
Genomic context (GRCh38, chr13:108,210,904, plus strand): 5'-CTTCCTTTCTGTAAACATCTTGGCTTCAACACAAAATATGCAATCATTGCAAAGTCTCCA[G>A]CATCTCCATGAGTTCCAGTGGGTGTTCTGTAGTTTAAAAGTTTGAGGGCATCTTTTCCAT-3'
Protein context (NP_996820.1, residues 112-132): YRTPTGTHGD[Ala122Val]GDFAMIAYFV